The following is an entry in ClinVar:

ClinVar aggregate classification (germline): Uncertain significance (1 of 4 stars; one submission).

Conditions:
Short QT syndrome type 1. Identifiers: Orphanet 51083, MedGen C1865020, MONDO:0012312, OMIM 609620.

Submission:

Centre for Mendelian Genomics, University Medical Centre Ljubljana
Classification: Uncertain significance for Short QT syndrome type 1. Last evaluated: 2020-03-16. Review status: criteria provided, single submitter. Criteria: ACMG Guidelines, 2015. Collection method: clinical testing. Allele origin: unknown. Affected: yes.
Comment: This variant was classified as: Uncertain significance. The available evidence on this variant's pathogenicity is insufficient or conflicting. The following ACMG criteria were applied in classifying this variant: PM2.

NM_000238.4(KCNH2):c.409A>G (p.Met137Val)

Gene: KCNH2 (potassium voltage-gated channel subfamily H member 2; minus strand). Cytogenetic location: 7q36.1.
Variant type: single nucleotide variant.
Coding change: c.409A>G on transcript NM_000238.4 (MANE Select); coding-DNA position 409, A replaced by G.
Protein change: p.Met137Val; replaces methionine 137 with valine.
Molecular consequence: missense variant.
Genome position (GRCh38, 1-based): chr7:150,959,635, T>C on the plus strand (A>G on the coding strand, the complement: KCNH2 is on the minus strand). VCF-style: chr7-150959635-T-C. GRCh37 (hg19) VCF-style: chr7-150656723-T-C.
Other names: c.121A>G, p.Met41Val (NM_001406753.1, NM_001406756.1); c.232A>G, p.Met78Val (NM_001406755.1); c.109A>G, p.Met37Val (NM_001406757.1); c.409A>G, p.Met137Val (NM_172056.3); short protein forms M137V, M37V, M78V, M41V.
Identifiers: ClinVar variation 930960 (VCV000930960.5), dbSNP rs1801498381, ClinGen allele CA369863713.